The following is an entry in ClinVar:

NM_005159.5(ACTC1):c.170G>A (p.Gly57Asp)

Genes: GJD2-DT (GJD2 divergent transcript; plus strand), ACTC1 (actin alpha cardiac muscle 1; minus strand). Cytogenetic location: 15q14.
Variant type: single nucleotide variant.
Coding change: c.170G>A on transcript NM_005159.5 (MANE Select); coding-DNA position 170, G replaced by A.
Protein change: p.Gly57Asp; replaces glycine 57 with aspartic acid.
Molecular consequence: missense variant. On other transcripts: 5 prime UTR variant (1).
Genome position (GRCh38, 1-based): chr15:34,793,529, C>T on the plus strand (G>A on the coding strand, the complement: ACTC1 is on the minus strand). VCF-style: chr15-34793529-C-T. GRCh37 (hg19) VCF-style: chr15-35085730-C-T.
Other names: c.170G>A, p.Gly57Asp (NM_001406482.1, NM_001406483.1); c.35G>A, p.Gly12Asp (NM_001406484.1); c.-219G>A (NM_001406485.1); short protein forms G12D, G57D.
Identifiers: ClinVar variation 3373581 (VCV003373581.3).

ClinVar aggregate classification (germline): Conflicting classifications of pathogenicity. Review status: criteria provided, conflicting classifications (1 of 4 stars). 2 submissions from 2 submitters: Pathogenic (1); Uncertain significance (1). Last evaluated 2024-12-19.

Conditions:
Dilated cardiomyopathy 1R (CMD1R). Identifiers: Orphanet 154, Orphanet 54260, MedGen C3150681, MONDO:0013261, OMIM 613424.

Submissions (2):

Pediatrics/Division of Genetics and Metabolism, University of Kentucky
Classification: Pathogenic for Dilated cardiomyopathy 1R. Last evaluated: 2024-12-19. Review status: criteria provided, single submitter. Criteria: Tavtigian et al. (Hum Mutat. 2020). Collection method: clinical testing, in vivo. Allele origin: de novo, not applicable. Affected: yes. Observed: 1 variant allele. Functional consequence: functionally_abnormal.
Comment: The NM_005159.4 c.170G>A (p.Gly57Asp) is a missense variant. This variant was found to be de novo (PS2), and it is absent in control populations (PM2). Missense variants are a common disease mechanism for this gene (PP2), and multiple lines of computational evidence support a deleterious effect (PP3). In the crystal structure of the actin monomer, this substitution is located in the Sub-domain 2 of the N-terminal domain of ACTC1. Sequence tolerance analysis revealed that only a Gly residue is accepted at this position and therefore, the Gly57Asp substitution likely disrupts the local structure of the N-terminal domain of ACTC1. In summary, this variant meets the criteria to be classified as pathogenic based on the ACMG/AMP criteria applied.

GeneDx
Classification: Uncertain significance. Last evaluated: 2024-03-06. Review status: criteria provided, single submitter. Criteria: GeneDx Variant Classification Process June 2021. Collection method: clinical testing. Allele origin: germline. Affected: yes.
Comment: Not observed at significant frequency in large population cohorts (gnomAD); In silico analysis supports that this missense variant has a deleterious effect on protein structure/function; Has not been previously published as pathogenic or benign to our knowledge